The following is an entry in ClinVar:

NM_003072.5(SMARCA4):c.4424+5G>A

Gene: SMARCA4 (SWI/SNF related BAF chromatin remodeling complex subunit ATPase 4; plus strand). Cytogenetic location: 19p13.2.
Variant type: single nucleotide variant.
Coding change: c.4424+5G>A on transcript NM_003072.5 (MANE Select); 5 bases into the intron after coding-DNA position 4424, G replaced by A.
Molecular consequence: intron variant.
Genome position (GRCh38, 1-based): chr19:11,041,565, G>A. VCF-style: chr19-11041565-G-A. GRCh37 (hg19) VCF-style: chr19-11152241-G-A.
Other names: c.4424+5G>A (NM_001128844.3); c.4520+5G>A (NM_001128849.3, NM_001387283.1); c.4325+5G>A (NM_001128847.4, NM_001374457.1, NM_001128848.2); c.4334+5G>A (NM_001128845.2, NM_001128846.2).
Identifiers: ClinVar variation 484857 (VCV000484857.13), dbSNP rs756617788, ClinGen allele CA9204714.

ClinVar aggregate classification (germline): Conflicting classifications of pathogenicity. Review status: criteria provided, conflicting classifications (1 of 4 stars). 3 submissions from 3 submitters: Uncertain significance (2); Likely benign (1). Last evaluated 2021-07-15.

Conditions:
Intellectual disability, autosomal dominant 16 (CSS4). Also called: COFFIN-SIRIS SYNDROME 4. Identifiers: Orphanet 1465, MedGen C3553249, MONDO:0013821, OMIM 614609.
Rhabdoid tumor predisposition syndrome 2 (RTPS2). Identifiers: Orphanet 231108, Orphanet 69077, MedGen C2750074, MONDO:0013224, OMIM 613325.
Hereditary cancer-predisposing syndrome. Also called: Neoplastic Syndromes, Hereditary; Tumor predisposition; Hereditary Cancer Syndrome; Hereditary neoplastic syndrome. Identifiers: Orphanet 140162, MedGen C0027672, MeSH D009386, MONDO:0015356.

Allele frequency attached by ClinVar (database versions not stated): gnomAD exomes below 0.00001; ExAC 0.00001.
gnomAD v4.1: 1 of 1,611,866 alleles (0.000062%); highest among the groups gnomAD compares: Non-Finnish European, 0.000085%; no homozygotes.

Submissions (3):

Genome-Nilou Lab
Classification: Uncertain significance for Intellectual disability, autosomal dominant 16. Last evaluated: 2021-07-15. Review status: criteria provided, single submitter. Criteria: ACMG Guidelines, 2015. Collection method: clinical testing. Allele origin: germline. Affected: no.

Labcorp Genetics (formerly Invitae), Labcorp
Classification: Uncertain significance for Rhabdoid tumor predisposition syndrome 2. Last evaluated: 2021-04-14. Review status: criteria provided, single submitter. Criteria: Invitae Variant Classification Sherloc (09022015). Collection method: clinical testing. Allele origin: germline.
Comment: This sequence change falls in intron 31 of the SMARCA4 gene. It does not directly change the encoded amino acid sequence of the SMARCA4 protein, but it affects a nucleotide within the consensus splice site of the intron. In summary, the available evidence is currently insufficient to determine the role of this variant in disease. Therefore, it has been classified as a Variant of Uncertain Significance. Nucleotide substitutions within the consensus splice site are a relatively common cause of aberrant splicing (PMID: 17576681, 9536098). Algorithms developed to predict the effect of sequence changes on RNA splicing suggest that this variant may disrupt the consensus splice site, but this prediction has not been confirmed by published transcriptional studies. This variant has not been reported in the literature in individuals with SMARCA4-related disease. ClinVar contains an entry for this variant (Variation ID: 484857). This variant is present in population databases (rs756617788, ExAC 0.002%).

Ambry Genetics
Classification: Likely benign for Hereditary cancer-predisposing syndrome. Last evaluated: 2020-12-07. Review status: criteria provided, single submitter. Criteria: Ambry Variant Classification Scheme 2023. Collection method: clinical testing. Allele origin: germline.

Literature cited by the submitters: PubMed 17576681 (cited by Labcorp Genetics (formerly Invitae), Labcorp); PubMed 9536098 (cited by Labcorp Genetics (formerly Invitae), Labcorp).